The following is an entry in ClinVar:

ClinVar aggregate classification (germline): Uncertain significance (1 of 4 stars; one submission).

Submission:

Dasa
Classification: Uncertain significance. Last evaluated: 2026-07-24. Review status: criteria provided, single submitter. Criteria: DASA Assertion Criteria. Collection method: clinical testing. Allele origin: germline.
Comment: NM_003036.4(SKI):c.335G>C (p.Cys112Ser) is a missense variant that results in the substitution of cysteine with serine. The affected residue or protein region has prior evidence supporting clinical relevance. This variant is rare in population databases. Computational prediction algorithms are consistent with a deleterious effect. The currently available literature and clinical evidence are not sufficient to establish a definitive association between this variant and the reported condition. Therefore, this variant is classified as a variant of uncertain significance.

NM_003036.4(SKI):c.335G>C (p.Cys112Ser)

Gene: SKI (SKI proto-oncogene; plus strand). Cytogenetic location: 1p36.33.
Variant type: single nucleotide variant.
Coding change: c.335G>C on transcript NM_003036.4 (MANE Select); coding-DNA position 335, G replaced by C.
Protein change: p.Cys112Ser; replaces cysteine 112 with serine.
Molecular consequence: missense variant.
Genome position (GRCh38, 1-based): chr1:2,229,101, G>C. VCF-style: chr1-2229101-G-C. GRCh37 (hg19) VCF-style: chr1-2160540-G-C.
Other names: short protein forms C112S.
Identifiers: ClinVar variation 5020136 (VCV005020136.1).